The following is an entry in ClinVar:

NM_006929.5(SKIC2):c.1903C>T (p.His635Tyr)

Gene: SKIC2 (SKI2 subunit of superkiller complex; plus strand). Cytogenetic location: 6p21.33.
Variant type: single nucleotide variant.
Coding change: c.1903C>T on transcript NM_006929.5 (MANE Select); coding-DNA position 1903, C replaced by T.
Protein change: p.His635Tyr; replaces histidine 635 with tyrosine.
Molecular consequence: missense variant.
Genome position (GRCh38, 1-based): chr6:31,964,274, C>T. VCF-style: chr6-31964274-C-T. GRCh37 (hg19) VCF-style: chr6-31932051-C-T.
Other names: short protein forms H635Y.
Identifiers: ClinVar variation 3337586 (VCV003337586.3).

ClinVar aggregate classification (germline): Conflicting classifications of pathogenicity. Review status: criteria provided, conflicting classifications (1 of 4 stars). 2 submissions from 2 submitters: Likely pathogenic (1); Uncertain significance (1). Last evaluated 2024-07-04.

gnomAD v4.1: 6 of 1,613,094 alleles (0.00037%); highest among the groups gnomAD compares: Non-Finnish European, 0.00051%; no homozygotes.

Submissions (2):

Labcorp Genetics (formerly Invitae), Labcorp
Classification: Uncertain significance. Last evaluated: 2024-07-04. Review status: criteria provided, single submitter. Criteria: Invitae Variant Classification Sherloc (09022015). Collection method: clinical testing. Allele origin: germline.
Comment: This sequence change replaces histidine, which is basic and polar, with tyrosine, which is neutral and polar, at codon 635 of the SKIV2L protein (p.His635Tyr). This variant is present in population databases (rs772419565, gnomAD 0.004%). This variant has not been reported in the literature in individuals affected with SKIV2L-related conditions. An algorithm developed to predict the effect of missense changes on protein structure and function (PolyPhen-2) suggests that this variant is likely to be disruptive. In summary, the available evidence is currently insufficient to determine the role of this variant in disease. Therefore, it has been classified as a Variant of Uncertain Significance.

Clinical Genetics Laboratory, Skane University Hospital Lund
Classification: Likely pathogenic. Last evaluated: 2023-10-12. Review status: criteria provided, single submitter. Criteria: ACMG Guidelines, 2015. Collection method: clinical testing. Allele origin: germline. Affected: yes.